The following is an entry in ClinVar:

ClinVar aggregate classification (germline): Uncertain significance (1 of 4 stars; one submission).

Allele frequency attached by ClinVar (database versions not stated): ExAC 0.00001.
gnomAD v4.1: 5 of 1,613,800 alleles (0.00031%); highest among the groups gnomAD compares: Non-Finnish European, 0.00034%; no homozygotes.

Submission:

Labcorp Genetics (formerly Invitae), Labcorp
Classification: Uncertain significance. Last evaluated: 2022-07-04. Review status: criteria provided, single submitter. Criteria: Invitae Variant Classification Sherloc (09022015). Collection method: clinical testing. Allele origin: germline.
Comment: In summary, the available evidence is currently insufficient to determine the role of this variant in disease. Therefore, it has been classified as a Variant of Uncertain Significance. Algorithms developed to predict the effect of missense changes on protein structure and function (SIFT, PolyPhen-2, Align-GVGD) all suggest that this variant is likely to be tolerated. This variant has not been reported in the literature in individuals affected with HPS1-related conditions. This variant is present in population databases (rs777593730, gnomAD 0.0009%). This sequence change replaces threonine, which is neutral and polar, with asparagine, which is neutral and polar, at codon 282 of the HPS1 protein (p.Thr282Asn).

NM_000195.5(HPS1):c.845C>A (p.Thr282Asn)

Gene: HPS1 (HPS1 biogenesis of lysosomal organelles complex 3 subunit 1; minus strand). Cytogenetic location: 10q24.2.
Variant type: single nucleotide variant.
Coding change: c.845C>A on transcript NM_000195.5 (MANE Select); coding-DNA position 845, C replaced by A.
Protein change: p.Thr282Asn; replaces threonine 282 with asparagine.
Molecular consequence: missense variant. On other transcripts: 5 prime UTR variant (1), intron variant (8).
Genome position (GRCh38, 1-based): chr10:98,429,813, G>T on the plus strand (C>A on the coding strand, the complement: HPS1 is on the minus strand). VCF-style: chr10-98429813-G-T. GRCh37 (hg19) VCF-style: chr10-100189570-G-T.
Other names: c.845C>A, p.Thr282Asn (NM_001322476.2, NM_001322477.2, NM_182639.4); c.584C>A, p.Thr195Asn (NM_001322480.2, NM_001322481.2); c.476C>A, p.Thr159Asn (NM_001322483.2, NM_001322484.2); c.-128C>A (NM_001322487.2); c.727C>A, p.Leu243Met (NM_001322490.2); c.769-171C>A (NM_001322478.2, NM_001322479.2, NM_001322491.2); c.400-171C>A (NM_001322485.2); c.508-171C>A (NM_001322482.2); and 2 more; short protein forms L243M, T195N, T282N, T159N.
Identifiers: ClinVar variation 1919688 (VCV001919688.5), dbSNP rs777593730, ClinGen allele CA5639263.